The following is an entry in ClinVar:

ClinVar aggregate classification (germline): Pathogenic (1 of 4 stars; one submission).

Conditions:
7q11.23 microduplication syndrome. Also called: CHROMOSOME 7q11.23 DUPLICATION SYNDROME; WBS DUPLICATION SYNDROME; Williams-Beuren region duplication syndrome; 7q11.23 Duplication Syndrome. Identifiers: Orphanet 96121, MedGen C1857844, MONDO:0012342, OMIM 609757.

Submission:

Division of Genetic & Genomic Pathology, Hong Kong Children's Hospital
Classification: Pathogenic for 7q11.23 microduplication syndrome. Last evaluated: 2024-09-19. Review status: criteria provided, single submitter. Criteria: ACMG/ClinGen CNV Guidelines, 2019. Collection method: clinical testing. Allele origin: germline. Affected: yes.
Comment: The 1.44 Mb copy number gain (3 copies) involves 30 protein-coding genes. It completely overlaps with the triplosensitivie region for 7q11.23 microduplication syndrome, including the ELN gene (ClinGen: ISCA-37392). Similar duplications have been reported in multiple individuals with developmental delay, intellectually disability, distinctive craniofacial features, seizures and/or additional congenital anomalies (PMID: 26610320, 22369319, 19249392, 26109321). Therefore, the copy number gain is classified a PATHOGENIC.

Literature cited by the submitters: PubMed 26610320; PubMed 22369319; PubMed 19249392; PubMed 26109321.

GRCh37/hg19 7q11.23(chr7:72704332-74144311)x3

Genes: MIR590 (microRNA 590; plus strand), RFC2 (replication factor C subunit 2; minus strand), MLXIPL (MLX interacting protein like; minus strand), TBL2 (transducin beta like 2; minus strand), EIF4H (eukaryotic translation initiation factor 4H; plus strand) and 22 more. Cytogenetic location: 7q11.23.
Variant type: copy number gain.
Change: copy number 3 (three copies instead of two) of chr7:72,704,332-74,144,311 (1.44 Mb, GRCh37 coordinates, 1-based), cytogenetic band 7q11.23.
Identifiers: ClinVar variation 4849857 (VCV004849857.1).